The following is an entry in ClinVar:

NM_006506.5(RASA2):c.639G>C (p.Lys213Asn)

Gene: RASA2 (RAS p21 protein activator 2; plus strand). Cytogenetic location: 3q23.
Variant type: single nucleotide variant.
Coding change: c.639G>C on transcript NM_006506.5 (MANE Select); coding-DNA position 639, G replaced by C.
Protein change: p.Lys213Asn; replaces lysine 213 with asparagine.
Molecular consequence: missense variant.
Genome position (GRCh38, 1-based): chr3:141,555,867, G>C. VCF-style: chr3-141555867-G-C. GRCh37 (hg19) VCF-style: chr3-141274709-G-C.
Other names: c.639G>C (NM_006506.2); c.639G>C, p.Lys213Asn (NM_001303245.3, NM_001303246.3); short protein forms K213N.
Identifiers: ClinVar variation 3665902 (VCV003665902.3).

ClinVar aggregate classification (germline): Uncertain significance. Review status: criteria provided, multiple submitters, no conflicts (2 of 4 stars). 2 submissions from 2 submitters: Uncertain significance (2). Last evaluated 2026-03-23.

gnomAD v4.1: 1 of 1,612,522 alleles (0.000062%); highest among the groups gnomAD compares: Non-Finnish European, 0.000085%; no homozygotes.

Submissions (2):

Ambry Genetics
Classification: Uncertain significance. Last evaluated: 2026-03-23. Review status: criteria provided, single submitter. Criteria: Ambry Variant Classification Scheme 2023. Collection method: clinical testing. Allele origin: germline.
Comment: The p.K213N variant (also known as c.639G>C), located in coding exon 7 of the RASA2 gene, results from a G to C substitution at nucleotide position 639. The lysine at codon 213 is replaced by asparagine, an amino acid with similar properties. This amino acid position is conserved. In addition, this alteration is predicted to be tolerated by in silico analysis. Based on the available evidence, the clinical significance of this variant remains unclear.

Labcorp Genetics (formerly Invitae), Labcorp
Classification: Uncertain significance. Last evaluated: 2024-09-17. Review status: criteria provided, single submitter. Criteria: Invitae Variant Classification Sherloc (09022015). Collection method: clinical testing. Allele origin: germline.
Comment: This sequence change replaces lysine, which is basic and polar, with asparagine, which is neutral and polar, at codon 213 of the RASA2 protein (p.Lys213Asn). This variant is not present in population databases (gnomAD no frequency). This variant has not been reported in the literature in individuals affected with RASA2-related conditions. Invitae Evidence Modeling of protein sequence and biophysical properties (such as structural, functional, and spatial information, amino acid conservation, physicochemical variation, residue mobility, and thermodynamic stability) indicates that this missense variant is expected to disrupt RASA2 protein function with a positive predictive value of 80%. Algorithms developed to predict the effect of sequence changes on RNA splicing suggest that this variant may disrupt the consensus splice site. In summary, the available evidence is currently insufficient to determine the role of this variant in disease. Therefore, it has been classified as a Variant of Uncertain Significance.